The following is an entry in ClinVar:

ClinVar aggregate classification (germline): Uncertain significance (1 of 4 stars; one submission).

Submission:

GeneDx
Classification: Uncertain significance. Last evaluated: 2023-07-27. Review status: criteria provided, single submitter. Criteria: GeneDx Variant Classification Process June 2021. Collection method: clinical testing. Allele origin: germline. Affected: yes.
Comment: Not observed at significant frequency in large population cohorts (gnomAD); In silico analysis supports that this missense variant does not alter protein structure/function; Has not been previously published as pathogenic or benign to our knowledge

NM_003470.3(USP7):c.1931G>A (p.Gly644Asp)

Gene: USP7 (ubiquitin specific peptidase 7; minus strand). Cytogenetic location: 16p13.2.
Variant type: single nucleotide variant.
Coding change: c.1931G>A on transcript NM_003470.3 (MANE Select); coding-DNA position 1931, G replaced by A.
Protein change: p.Gly644Asp; replaces glycine 644 with aspartic acid.
Molecular consequence: missense variant. On other transcripts: non-coding transcript variant (1).
Genome position (GRCh38, 1-based): chr16:8,902,391, C>T on the plus strand (G>A on the coding strand, the complement: USP7 is on the minus strand). VCF-style: chr16-8902391-C-T. GRCh37 (hg19) VCF-style: chr16-8996248-C-T.
Other names: c.1883G>A, p.Gly628Asp (NM_001286457.2); c.1634G>A, p.Gly545Asp (NM_001286458.2); c.1757G>A, p.Gly586Asp (NM_001321858.2); short protein forms G545D, G586D, G628D, G644D.
Identifiers: ClinVar variation 3361512 (VCV003361512.1).